The following is an entry in ClinVar:

NM_181078.3(IL21R):c.457A>G (p.Lys153Glu)

Gene: IL21R (interleukin 21 receptor; plus strand). Cytogenetic location: 16p12.1.
Variant type: single nucleotide variant.
Coding change: c.457A>G on transcript NM_181078.3 (MANE Select); coding-DNA position 457, A replaced by G.
Protein change: p.Lys153Glu; replaces lysine 153 with glutamic acid.
Molecular consequence: missense variant.
Genome position (GRCh38, 1-based): chr16:27,443,066, A>G. VCF-style: chr16-27443066-A-G. GRCh37 (hg19) VCF-style: chr16-27454387-A-G.
Other names: c.457A>G, p.Lys153Glu (NM_021798.4); c.523A>G, p.Lys175Glu (NM_181079.5); short protein forms K175E, K153E.
Identifiers: ClinVar variation 1037284 (VCV001037284.9), dbSNP rs149485226, ClinGen allele CA7974976.

ClinVar aggregate classification (germline): Uncertain significance (1 of 4 stars; one submission).

Conditions:
Cryptosporidiosis-chronic cholangitis-liver disease syndrome. Also called: IL21R immunodeficiency; Immunodeficiency type 56. Identifiers: Orphanet 357329, MedGen C3554687, MONDO:0014082, OMIM 615207.

Allele frequency attached by ClinVar (database versions not stated): TOPMed below 0.00001; gnomAD 0.00001; gnomAD exomes 0.00001 and 0.00002; ExAC 0.00002; ESP Exome Variant Server 0.00008.
gnomAD v4.1: 12 of 1,613,824 alleles (0.00074%); highest among the groups gnomAD compares: Non-Finnish European, 0.00093%; no homozygotes.

Submission:

Labcorp Genetics (formerly Invitae), Labcorp
Classification: Uncertain significance for Cryptosporidiosis-chronic cholangitis-liver disease syndrome. Last evaluated: 2022-03-11. Review status: criteria provided, single submitter. Criteria: Invitae Variant Classification Sherloc (09022015). Collection method: clinical testing. Allele origin: germline.
Comment: In summary, the available evidence is currently insufficient to determine the role of this variant in disease. Therefore, it has been classified as a Variant of Uncertain Significance. Algorithms developed to predict the effect of missense changes on protein structure and function (SIFT, PolyPhen-2, Align-GVGD) all suggest that this variant is likely to be tolerated. ClinVar contains an entry for this variant (Variation ID: 1037284). This variant has not been reported in the literature in individuals affected with IL21R-related conditions. This variant is present in population databases (rs149485226, gnomAD 0.003%). This sequence change replaces lysine, which is basic and polar, with glutamic acid, which is acidic and polar, at codon 153 of the IL21R protein (p.Lys153Glu).